The following is an entry in ClinVar:

NM_001958.5(EEF1A2):c.274_277delinsACTA (p.Ala92_Pro93delinsThrThr)

Gene: EEF1A2 (eukaryotic translation elongation factor 1 alpha 2; minus strand). Cytogenetic location: 20q13.33.
Variant type: Indel.
Coding change: c.274_277delinsACTA on transcript NM_001958.5 (MANE Select); coding-DNA positions 274 to 277, GCCC replaced by ACTA.
Protein change: p.Ala92_Pro93delinsThrThr.
Molecular consequence: missense variant.
Genome position (GRCh38, 1-based): chr20:63,495,903-63,495,906, GGGC replaced by TAGT on the plus strand (GCCC replaced by ACTA on the coding strand, the reverse complement: EEF1A2 is on the minus strand). VCF-style: chr20-63495903-GGGC-TAGT. GRCh37 (hg19) VCF-style: chr20-62127256-GGGC-TAGT.
Identifiers: ClinVar variation 4082877 (VCV004082877.1).

ClinVar aggregate classification (germline): Uncertain significance (1 of 4 stars; one submission).

Submission:

GeneDx
Classification: Uncertain significance. Last evaluated: 2025-03-05. Review status: criteria provided, single submitter. Criteria: GeneDx Variant Classification Process June 2021. Collection method: clinical testing. Allele origin: germline. Affected: yes.
Comment: Not observed at significant frequency in large population cohorts (gnomAD); In silico analysis indicates that this variant does not alter protein structure/function; Has not been previously published as pathogenic or benign to our knowledge